The following is an entry in ClinVar:

NM_058216.3(RAD51C):c.194G>C (p.Arg65Thr)

Gene: RAD51C (RAD51 paralog C; plus strand). Cytogenetic location: 17q22.
Variant type: single nucleotide variant.
Coding change: c.194G>C on transcript NM_058216.3 (MANE Select); coding-DNA position 194, G replaced by C.
Protein change: p.Arg65Thr; replaces arginine 65 with threonine.
Molecular consequence: missense variant. On other transcripts: non-coding transcript variant (2).
Genome position (GRCh38, 1-based): chr17:58,694,979, G>C. VCF-style: chr17-58694979-G-C. GRCh37 (hg19) VCF-style: chr17-56772340-G-C.
Other names: c.194G>C, p.Arg65Thr (NM_002876.4); short protein forms R65T.
Identifiers: ClinVar variation 1196279 (VCV001196279.10), dbSNP rs2047943468, ClinGen allele CA400339908.

ClinVar aggregate classification (germline): Conflicting classifications of pathogenicity. Review status: criteria provided, conflicting classifications (1 of 4 stars). 4 submissions from 4 submitters: Uncertain significance (3); Benign (1). Last evaluated 2025-11-27.

Conditions:
Breast-ovarian cancer, familial, susceptibility to, 3. Also called: RAD51C-Related Breast/Ovarian Cancer. Identifiers: Orphanet 145, MedGen C3150659, MONDO:0013253, OMIM 613399.
Hereditary cancer-predisposing syndrome. Also called: Hereditary neoplastic syndrome; Neoplastic Syndromes, Hereditary; Tumor predisposition; Hereditary Cancer Syndrome. Identifiers: Orphanet 140162, MedGen C0027672, MeSH D009386, MONDO:0015356.
Fanconi anemia complementation group O. Also called: RAD51C-Related Fanconi Anemia. Identifiers: Orphanet 84, MedGen C3150653, MONDO:0013248, OMIM 613390.

Allele frequency attached by ClinVar (database versions not stated): gnomAD exomes below 0.00001; gnomAD 0.00001.
gnomAD v4.1: 3 of 1,613,998 alleles (0.00019%); highest among the groups gnomAD compares: African/African-American, 0.004%; no homozygotes.

Submissions (4):

Labcorp Genetics (formerly Invitae), Labcorp
Classification: Uncertain significance for Fanconi anemia complementation group O. Last evaluated: 2025-11-27. Review status: criteria provided, single submitter. Criteria: Invitae Variant Classification Sherloc (09022015). Collection method: clinical testing. Allele origin: germline.
Comment: This sequence change replaces arginine, which is basic and polar, with threonine, which is neutral and polar, at codon 65 of the RAD51C protein (p.Arg65Thr). This variant is not present in population databases (gnomAD no frequency). This variant has not been reported in the literature in individuals affected with RAD51C-related conditions. ClinVar contains an entry for this variant (Variation ID: 1196279). Invitae Evidence Modeling of protein sequence and biophysical properties (such as structural, functional, and spatial information, amino acid conservation, physicochemical variation, residue mobility, and thermodynamic stability) indicates that this missense variant is not expected to disrupt RAD51C protein function with a negative predictive value of 80%. In summary, the available evidence is currently insufficient to determine the role of this variant in disease. Therefore, it has been classified as a Variant of Uncertain Significance.

Ambry Genetics
Classification: Benign for Hereditary cancer-predisposing syndrome. Last evaluated: 2025-10-17. Review status: criteria provided, single submitter. Criteria: Ambry Variant Classification Scheme 2023. Collection method: clinical testing. Allele origin: germline.

Baylor Genetics
Classification: Uncertain significance for Breast-ovarian cancer, familial, susceptibility to, 3. Last evaluated: 2024-02-06. Review status: criteria provided, single submitter. Criteria: ACMG Guidelines, 2015. Collection method: clinical testing. Allele origin: unknown.

GeneDx
Classification: Uncertain significance. Last evaluated: 2021-01-27. Review status: criteria provided, single submitter. Criteria: GeneDx Variant Classification Process June 2021. Collection method: clinical testing. Allele origin: germline. Affected: yes.
Comment: Not observed in large population cohorts (Lek 2016); In silico analysis supports that this missense variant has a deleterious effect on protein structure/function; Has not been previously published as pathogenic or benign to our knowledge